The following is an entry in ClinVar:

NM_002382.5(MAX):c.109G>A (p.Asp37Asn)

Genes: MAX (MYC associated transcriptional regulator X; minus strand), MAX-AS1 (MAX antisense RNA 1; plus strand). Cytogenetic location: 14q23.3.
Variant type: single nucleotide variant.
Coding change: c.109G>A on transcript NM_002382.5 (MANE Select); coding-DNA position 109, G replaced by A.
Protein change: p.Asp37Asn; replaces aspartic acid 37 with asparagine.
Molecular consequence: missense variant. On other transcripts: non-coding transcript variant (12), 5 prime UTR variant (6), synonymous variant (1), intron variant (1).
Genome position (GRCh38, 1-based): chr14:65,093,770, C>T on the plus strand (G>A on the coding strand, the complement: MAX is on the minus strand). VCF-style: chr14-65093770-C-T. GRCh37 (hg19) VCF-style: chr14-65560488-C-T.
Other names: c.82G>A, p.Asp28Asn (NM_001271068.2, NM_001271069.2, NM_001407095.1 and 9 more transcripts); c.-166G>A (NM_001320415.2, NM_001407105.1, NM_001407106.1 and 1 more transcripts); c.109G>A, p.Asp37Asn (NM_001407094.1, NM_001407096.1, NM_001407097.1 and 5 more transcripts); c.-259G>A (NM_001407111.1, NM_001407112.1); c.132G>A, p.Gly44= (NM_001407114.1); c.63+7776G>A (NM_001407098.1); short protein forms D37N, D28N.
Identifiers: ClinVar variation 4729343 (VCV004729343.1).

ClinVar aggregate classification (germline): Uncertain significance (1 of 4 stars; one submission).

Conditions:
Hereditary pheochromocytoma and paraganglioma. Also called: Hereditary pheochromocytoma-paraganglioma; Hereditary Paraganglioma-Pheochromocytoma Syndromes; Hereditary paragangliomas and pheochromocytomas. Identifiers: Orphanet 29072, MedGen C4274332, MONDO:0017366.

Submission:

Labcorp Genetics (formerly Invitae), Labcorp
Classification: Uncertain significance for Hereditary pheochromocytoma and paraganglioma. Last evaluated: 2025-10-16. Review status: criteria provided, single submitter. Criteria: Invitae Variant Classification Sherloc (09022015). Collection method: clinical testing. Allele origin: germline.
Comment: This sequence change replaces aspartic acid, which is acidic and polar, with asparagine, which is neutral and polar, at codon 37 of the MAX protein (p.Asp37Asn). This variant is not present in population databases (gnomAD no frequency). This variant has not been reported in the literature in individuals affected with MAX-related conditions. An algorithm developed to predict the effect of missense changes on protein structure and function (PolyPhen-2) suggests that this variant is likely to be disruptive. In summary, the available evidence is currently insufficient to determine the role of this variant in disease. Therefore, it has been classified as a Variant of Uncertain Significance.